The following is an entry in ClinVar:

NM_000548.5(TSC2):c.4377A>T (p.Arg1459=)

Gene: TSC2 (TSC complex subunit 2; plus strand). Cytogenetic location: 16p13.3.
Variant type: single nucleotide variant.
Coding change: c.4377A>T on transcript NM_000548.5 (MANE Select); coding-DNA position 4377, A replaced by T.
Protein change: p.Arg1459=; no amino-acid change (arginine 1459 retained).
Molecular consequence: synonymous variant. On other transcripts: non-coding transcript variant (5).
Genome position (GRCh38, 1-based): chr16:2,084,599, A>T. VCF-style: chr16-2084599-A-T. GRCh37 (hg19) VCF-style: chr16-2134600-A-T.
Other names: c.2832A>T, p.Arg944= (NM_001406695.1, NM_001406696.1, NM_001406697.1); c.2574A>T, p.Arg858= (NM_001406698.1); c.4248A>T, p.Arg1416= (NM_021055.3, NM_001370405.1); c.4176A>T, p.Arg1392= (NM_001077183.3); c.4308A>T, p.Arg1436= (NM_001114382.3); c.4068A>T, p.Arg1356= (NM_001318827.2); c.4032A>T, p.Arg1344= (NM_001318829.2); c.3645A>T, p.Arg1215= (NM_001318831.2); and 26 more.
Identifiers: ClinVar variation 3329489 (VCV003329489.2).

ClinVar aggregate classification (germline): Benign/Likely benign. Review status: criteria provided, multiple submitters, no conflicts (2 of 4 stars). 2 submissions from 2 submitters: Benign (1); Likely benign (1). Last evaluated 2025-06-03.

Conditions:
Hereditary cancer-predisposing syndrome. Also called: Hereditary Cancer Syndrome; Tumor predisposition; Neoplastic Syndromes, Hereditary; Hereditary neoplastic syndrome. Identifiers: Orphanet 140162, MedGen C0027672, MeSH D009386, MONDO:0015356.
Tuberous sclerosis 2 (TSC2). Identifiers: Orphanet 805, MedGen C1860707, MONDO:0013199, OMIM 613254.

Submissions (2):

Myriad Genetics, Inc.
Classification: Benign for Tuberous sclerosis 2. Last evaluated: 2025-06-03. Review status: criteria provided, single submitter. Criteria: Myriad Autosomal Dominant, Autosomal Recessive and X-Linked Classification Criteria (2023). Collection method: clinical testing. Allele origin: unknown.
Comment: This variant is considered benign. This variant is a silent/synonymous amino acid change and it is not expected to impact splicing.

Ambry Genetics
Classification: Likely benign for Hereditary cancer-predisposing syndrome. Last evaluated: 2024-03-21. Review status: criteria provided, single submitter. Criteria: Ambry Variant Classification Scheme 2023. Collection method: clinical testing. Allele origin: germline.